The following is an entry in ClinVar:

NM_033637.4(BTRC):c.572A>C (p.His191Pro)

Gene: BTRC (beta-transducin repeat containing E3 ubiquitin protein ligase; plus strand). Cytogenetic location: 10q24.32.
Variant type: single nucleotide variant.
Coding change: c.572A>C on transcript NM_033637.4 (MANE Select); coding-DNA position 572, A replaced by C.
Protein change: p.His191Pro; replaces histidine 191 with proline.
Molecular consequence: missense variant.
Genome position (GRCh38, 1-based): chr10:101,526,028, A>C. VCF-style: chr10-101526028-A-C. GRCh37 (hg19) VCF-style: chr10-103285785-A-C.
Other names: c.494A>C, p.His165Pro (NM_001256856.2); c.464A>C, p.His155Pro (NM_003939.5); short protein forms H155P, H165P, H191P.
Identifiers: ClinVar variation 3605792 (VCV003605792.2).

ClinVar aggregate classification (germline): Uncertain significance (1 of 4 stars; one submission).

gnomAD v4.1: 8 of 1,613,962 alleles (0.0005%); highest among the groups gnomAD compares: East Asian, 0.018%; no homozygotes.

Submission:

Labcorp Genetics (formerly Invitae), Labcorp
Classification: Uncertain significance. Last evaluated: 2024-10-02. Review status: criteria provided, single submitter. Criteria: Invitae Variant Classification Sherloc (09022015). Collection method: clinical testing. Allele origin: germline.
Comment: This sequence change replaces histidine, which is basic and polar, with proline, which is neutral and non-polar, at codon 191 of the BTRC protein (p.His191Pro). This variant is present in population databases (no rsID available, gnomAD 0.04%). This variant has not been reported in the literature in individuals affected with BTRC-related conditions. An algorithm developed to predict the effect of missense changes on protein structure and function (PolyPhen-2) suggests that this variant is likely to be disruptive. In summary, the available evidence is currently insufficient to determine the role of this variant in disease. Therefore, it has been classified as a Variant of Uncertain Significance.